The following is an entry in ClinVar:

NM_001136193.2(FASTKD2):c.882-3C>T

Gene: FASTKD2 (FAST kinase domains 2; plus strand). Cytogenetic location: 2q33.3.
Variant type: single nucleotide variant.
Coding change: c.882-3C>T on transcript NM_001136193.2 (MANE Select); 3 bases into the intron before coding-DNA position 882, C replaced by T.
Molecular consequence: intron variant.
Genome position (GRCh38, 1-based): chr2:206,771,179, C>T. VCF-style: chr2-206771179-C-T. GRCh37 (hg19) VCF-style: chr2-207635903-C-T.
Other names: c.882-3C>T (NM_001136194.2, NM_014929.4, NM_014929.3).
Identifiers: ClinVar variation 284065 (VCV000284065.12), dbSNP rs41272661, ClinGen allele CA2074994.

ClinVar aggregate classification (germline): Conflicting classifications of pathogenicity. Review status: criteria provided, conflicting classifications (1 of 4 stars). 4 submissions from 4 submitters: Uncertain significance (3); Likely benign (1). Last evaluated 2025-08-29.

Conditions:
Inborn genetic diseases. Identifiers: MedGen C0950123, MeSH D030342.

Allele frequency attached by ClinVar (database versions not stated): 1000 Genomes Project 0.00020; gnomAD exomes 0.00023 and 0.00052; gnomAD 0.00026 and 0.00029; TOPMed 0.00027; ExAC 0.00030; 1000 Genomes Project 30x 0.00031; ESP Exome Variant Server 0.00077.
gnomAD v4.1: 735 of 1,488,000 alleles (0.049%); highest among the groups gnomAD compares: Non-Finnish European, 0.066%; no homozygotes.

Submissions (5):

Ambry Genetics
Classification: Uncertain significance for Inborn genetic diseases. Last evaluated: 2025-08-29. Review status: criteria provided, single submitter. Criteria: Ambry Variant Classification Scheme 2023. Collection method: clinical testing. Allele origin: germline.
Comment: The c.882-3C>T intronic alteration consists of a C to T substitution 3 nucleotides before coding exon 3 in the FASTKD2 gene. Based on insufficient or conflicting evidence, the clinical significance of this alteration remains unclear.

Labcorp Genetics (formerly Invitae), Labcorp
Classification: Uncertain significance. Last evaluated: 2021-12-02. Review status: criteria provided, single submitter. Criteria: Invitae Variant Classification Sherloc (09022015). Collection method: clinical testing. Allele origin: germline.
Comment: This sequence change falls in intron 3 of the FASTKD2 gene. It does not directly change the encoded amino acid sequence of the FASTKD2 protein. It affects a nucleotide within the consensus splice site. This variant is present in population databases (rs41272661, gnomAD 0.04%). This variant has not been reported in the literature in individuals affected with FASTKD2-related conditions. ClinVar contains an entry for this variant (Variation ID: 284065). Variants that disrupt the consensus splice site are a relatively common cause of aberrant splicing (PMID: 17576681, 9536098). Algorithms developed to predict the effect of sequence changes on RNA splicing suggest that this variant is not likely to affect RNA splicing. In summary, the available evidence is currently insufficient to determine the role of this variant in disease. Therefore, it has been classified as a Variant of Uncertain Significance.

GeneDx
Classification: Likely benign. Last evaluated: 2019-01-18. Review status: criteria provided, single submitter. Criteria: GeneDx Variant Classification Process June 2021. Collection method: clinical testing. Allele origin: germline. Affected: yes.

Eurofins Ntd Llc (ga)
Classification: Uncertain significance. Last evaluated: 2015-10-20. Review status: criteria provided, single submitter. Criteria: EGL Classification Definitions 2015. Collection method: clinical testing. Allele origin: germline. Observed: 1 variant allele, 1 heterozygote.

Dr. Peter K. Rogan Lab, Western University
No classification provided (evidence only). Condition: Adrenocortical carcinoma, hereditary. Review status: no classification provided. Collection method: in vitro. Allele origin: not applicable. Functional consequence: retained intron. Not counted in ClinVar's aggregate classification.

Literature cited by the submitters: PubMed 17576681 (cited by Labcorp Genetics (formerly Invitae), Labcorp); PubMed 9536098 (cited by Labcorp Genetics (formerly Invitae), Labcorp).